The following is an entry in ClinVar:

NM_001267550.2(TTN):c.10270C>A (p.Gln3424Lys)

Gene: TTN (titin; minus strand). Cytogenetic location: 2q31.2.
Variant type: single nucleotide variant.
Coding change: c.10270C>A on transcript NM_001267550.2 (MANE Select); coding-DNA position 10270, C replaced by A.
Protein change: p.Gln3424Lys; replaces glutamine 3424 with lysine.
Molecular consequence: missense variant.
Genome position (GRCh38, 1-based): chr2:178,759,017, G>T on the plus strand (C>A on the coding strand, the complement: TTN is on the minus strand). VCF-style: chr2-178759017-G-T. GRCh37 (hg19) VCF-style: chr2-179623744-G-T.
Other names: c.10270C>A, p.Gln3424Lys (NM_001256850.1, NM_133378.4, NM_133379.5); c.10132C>A, p.Gln3378Lys (NM_003319.4, NM_133432.3, NM_133437.4); short protein forms Q3424K, Q3378K.
Identifiers: ClinVar variation 586860 (VCV000586860.3), dbSNP rs370865998, ClinGen allele CA2004149.

ClinVar aggregate classification (germline): Uncertain significance. Review status: criteria provided, multiple submitters, no conflicts (2 of 4 stars). 2 submissions from 2 submitters: Uncertain significance (2). Last evaluated 2026-05-27.

Conditions:
TTN-related disorder. Also called: TTN-related condition; TTN-related disease; TTN-related disorders.

Allele frequency attached by ClinVar (database versions not stated): ExAC 0.00001; gnomAD exomes 0.00001; TOPMed 0.00001; gnomAD 0.00002; ESP Exome Variant Server 0.00008.
gnomAD v4.1: 49 of 1,613,774 alleles (0.003%); highest among the groups gnomAD compares: Non-Finnish European, 0.0038%; no homozygotes.

Submissions (2):

PreventionGenetics, part of Exact Sciences
Classification: Uncertain significance for TTN-related condition. Last evaluated: 2026-05-27. Review status: criteria provided, single submitter. Criteria: ACMG Guidelines, 2015. Collection method: clinical testing. Allele origin: germline.
Comment: The TTN c.10270C>A variant is predicted to result in the amino acid substitution p.Gln3424Lys. To our knowledge, this variant has not been reported in the literature. This variant is reported in 0.0023% of alleles in individuals of European (Non-Finnish) descent in gnomAD. At this time, the clinical significance of this variant is uncertain due to the absence of conclusive functional and genetic evidence.

Athena Diagnostics
Classification: Uncertain significance. Last evaluated: 2018-05-17. Review status: criteria provided, single submitter. Criteria: Athena Diagnostics Criteria. Collection method: clinical testing. Allele origin: germline.